The following is an entry in ClinVar:

NM_015158.5(KANK1):c.1517T>C (p.Met506Thr)

Gene: KANK1 (KN motif and ankyrin repeat domains 1; plus strand). Cytogenetic location: 9p24.3.
Variant type: single nucleotide variant.
Coding change: c.1517T>C on transcript NM_015158.5 (MANE Select); coding-DNA position 1517, T replaced by C.
Protein change: p.Met506Thr; replaces methionine 506 with threonine.
Molecular consequence: missense variant. On other transcripts: non-coding transcript variant (1).
Genome position (GRCh38, 1-based): chr9:712,283, T>C. VCF-style: chr9-712283-T-C. GRCh37 (hg19) VCF-style: chr9-712283-T-C.
Other names: c.1517T>C, p.Met506Thr (NM_001256876.3, NM_001256877.3, NM_001354331.2 and 2 more transcripts); c.1043T>C, p.Met348Thr (NM_001354333.2, NM_001354335.2, NM_001354336.2 and 9 more transcripts); short protein forms M348T, M506T.
Identifiers: ClinVar variation 708380 (VCV000708380.35), dbSNP rs115415837, ClinGen allele CA4960243.

ClinVar aggregate classification (germline): Likely benign. Review status: criteria provided, multiple submitters, no conflicts (2 of 4 stars). 4 submissions from 4 submitters: Likely benign (4). Last evaluated 2026-01-01.

Allele frequency attached by ClinVar (database versions not stated): gnomAD exomes 0.00036 and 0.00088; ExAC 0.00097; ESP Exome Variant Server 0.00254; gnomAD 0.00263 and 0.00280; TOPMed 0.00278; 1000 Genomes Project 0.00280; 1000 Genomes Project 30x 0.00390.
gnomAD v4.1: 967 of 1,614,186 alleles (0.06%); highest among the groups gnomAD compares: African/African-American, 0.89%; 3 homozygotes.

Submissions (4):

CeGaT Center for Human Genetics Tuebingen
Classification: Likely benign. Last evaluated: 2026-01-01. Review status: criteria provided, single submitter. Criteria: CeGaT Center For Human Genetics Tuebingen Variant Classification Criteria Version 2. Collection method: clinical testing. Allele origin: germline. Affected: yes. Observed: 2 variant alleles.
Comment: KANK1: BP4, BS2

Labcorp Genetics (formerly Invitae), Labcorp
Classification: Likely benign. Last evaluated: 2025-12-10. Review status: criteria provided, single submitter. Criteria: Invitae Variant Classification Sherloc (09022015). Collection method: clinical testing. Allele origin: germline.

GeneDx
Classification: Likely benign. Last evaluated: 2021-05-03. Review status: criteria provided, single submitter. Criteria: GeneDx Variant Classification Process June 2021. Collection method: clinical testing. Allele origin: germline. Affected: yes.

Breakthrough Genomics
Classification: Likely benign. Review status: criteria provided, single submitter. Criteria: ACMG Guidelines, 2015. Collection method: not provided. Allele origin: germline. Inheritance: Unknown mechanism. Affected: yes.